The following is an entry in ClinVar:

NM_002184.4(IL6ST):c.1079A>C (p.Asn360Thr)

Gene: IL6ST (interleukin 6 cytokine family signal transducer; minus strand). Cytogenetic location: 5q11.2.
Variant type: single nucleotide variant.
Coding change: c.1079A>C on transcript NM_002184.4 (MANE Select); coding-DNA position 1079, A replaced by C.
Protein change: p.Asn360Thr; replaces asparagine 360 with threonine.
Molecular consequence: missense variant. On other transcripts: 3 prime UTR variant (1), non-coding transcript variant (2).
Genome position (GRCh38, 1-based): chr5:55,956,213, T>G on the plus strand (A>C on the coding strand, the complement: IL6ST is on the minus strand). VCF-style: chr5-55956213-T-G. GRCh37 (hg19) VCF-style: chr5-55252041-T-G.
Other names: c.1079A>C, p.Asn360Thr (NM_001190981.2, NM_001364275.2); c.869A>C, p.Asn290Thr (NM_001364276.2); c.212A>C, p.Asn71Thr (NM_001364277.2); c.176A>C, p.Asn59Thr (NM_001364278.2); c.83A>C, p.Asn28Thr (NM_001364279.2); c.*6A>C (NM_175767.3); short protein forms N28T, N290T, N360T, N59T, N71T.
Identifiers: ClinVar variation 3619534 (VCV003619534.2).

ClinVar aggregate classification (germline): Uncertain significance (1 of 4 stars; one submission).

gnomAD v4.1: 2 of 1,606,084 alleles (0.00012%); highest among the groups gnomAD compares: Non-Finnish European, 0.00017%; no homozygotes.

Submission:

Labcorp Genetics (formerly Invitae), Labcorp
Classification: Uncertain significance. Last evaluated: 2024-06-24. Review status: criteria provided, single submitter. Criteria: Invitae Variant Classification Sherloc (09022015). Collection method: clinical testing. Allele origin: germline.
Comment: This sequence change replaces asparagine, which is neutral and polar, with threonine, which is neutral and polar, at codon 360 of the IL6ST protein (p.Asn360Thr). This variant is not present in population databases (gnomAD no frequency). This variant has not been reported in the literature in individuals affected with IL6ST-related conditions. An algorithm developed to predict the effect of missense changes on protein structure and function (PolyPhen-2) suggests that this variant is likely to be disruptive. In summary, the available evidence is currently insufficient to determine the role of this variant in disease. Therefore, it has been classified as a Variant of Uncertain Significance.